The following is an entry in ClinVar:

NM_005883.3(APC2):c.1304-12G>A

Gene: APC2 (APC regulator of Wnt signaling pathway 2; plus strand). Cytogenetic location: 19p13.3.
Variant type: single nucleotide variant.
Coding change: c.1304-12G>A on transcript NM_005883.3 (MANE Select); 12 bases into the intron before coding-DNA position 1304, G replaced by A.
Molecular consequence: intron variant.
Genome position (GRCh38, 1-based): chr19:1,460,169, G>A. VCF-style: chr19-1460169-G-A. GRCh37 (hg19) VCF-style: chr19-1460168-G-A.
Other names: c.1301-12G>A (NM_001351273.1).
Identifiers: ClinVar variation 2059732 (VCV002059732.4), dbSNP rs749554203, ClinGen allele CA9045029.
Genomic context (GRCh38, chr19:1,460,169, plus strand): 5'-GGAGTGAGGTGGGGCGCTGGGCAGCAGGCAGGGTCATCCCTGCCACCCACCAACCTTGTT[G>A]GGTCCTCACAGGTGGGCTGCAGGCCGTGGCAGAGCTGCTGCAGGTTGACTATGAGATGCA-3'

ClinVar aggregate classification (germline): Uncertain significance (1 of 4 stars; one submission).

Allele frequency attached by ClinVar (database versions not stated): TOPMed below 0.00001; gnomAD 0.00001; gnomAD exomes 0.00002; ExAC 0.00003.
gnomAD v4.1: 30 of 1,613,006 alleles (0.0019%); highest among the groups gnomAD compares: Non-Finnish European, 0.0024%; no homozygotes.

Submission:

Labcorp Genetics (formerly Invitae), Labcorp
Classification: Uncertain significance. Last evaluated: 2022-05-30. Review status: criteria provided, single submitter. Criteria: Invitae Variant Classification Sherloc (09022015). Collection method: clinical testing. Allele origin: germline.
Comment: This sequence change falls in intron 10 of the APC2 gene. It does not directly change the encoded amino acid sequence of the APC2 protein. This variant is present in population databases (rs749554203, gnomAD 0.004%). This variant has not been reported in the literature in individuals affected with APC2-related conditions. Algorithms developed to predict the effect of sequence changes on RNA splicing suggest that this variant may create or strengthen a splice site. In summary, the available evidence is currently insufficient to determine the role of this variant in disease. Therefore, it has been classified as a Variant of Uncertain Significance.